The following is an entry in ClinVar:

ClinVar aggregate classification (germline): Conflicting classifications of pathogenicity. Review status: criteria provided, conflicting classifications (1 of 4 stars). 5 submissions from 5 submitters: Uncertain significance (3); Likely benign (1). 1 of the submissions does not count toward it. Last evaluated 2025-04-30.

Conditions:
BRCA2-related cancer predisposition. Identifiers: MedGen CN377758, MONDO:0700269.
Hereditary cancer-predisposing syndrome. Also called: Hereditary neoplastic syndrome; Neoplastic Syndromes, Hereditary; Tumor predisposition; Hereditary Cancer Syndrome. Identifiers: Orphanet 140162, MedGen C0027672, MeSH D009386, MONDO:0015356.
Hereditary breast ovarian cancer syndrome. Also called: Hereditary breast and ovarian cancer syndrome (HBOC); Breast and ovarian cancer; Hereditary breast and/or ovarian cancer syndrome; BRCA1- and BRCA2-Associated Hereditary Breast and Ovarian Cancer; Hereditary breast and ovarian cancer syndrome; Hereditary breast and ovarian cancer. Identifiers: Orphanet 145, MedGen C0677776, MeSH D061325, MONDO:0003582. Disease mechanism: loss of function.

Allele frequency attached by ClinVar (database versions not stated): gnomAD exomes below 0.00001; gnomAD 0.00001; TOPMed 0.00001.
gnomAD v4.1: 5 of 1,613,464 alleles (0.00031%); highest among the groups gnomAD compares: South Asian, 0.0011%; no homozygotes.

Submissions (5):

Labcorp Genetics (formerly Invitae), Labcorp
Classification: Uncertain significance for Hereditary breast ovarian cancer syndrome. Last evaluated: 2025-04-30. Review status: criteria provided, single submitter. Criteria: Invitae Variant Classification Sherloc (09022015). Collection method: clinical testing. Allele origin: germline.
Comment: This sequence change replaces proline, which is neutral and non-polar, with threonine, which is neutral and polar, at codon 2477 of the BRCA2 protein (p.Pro2477Thr). This variant is not present in population databases (gnomAD no frequency). This missense change has been observed in individual(s) with breast cancer (PMID: 5864222). ClinVar contains an entry for this variant (Variation ID: 185664). Invitae Evidence Modeling of protein sequence and biophysical properties (such as structural, functional, and spatial information, amino acid conservation, physicochemical variation, residue mobility, and thermodynamic stability) indicates that this missense variant is not expected to disrupt BRCA2 protein function with a negative predictive value of 95%. In summary, the available evidence is currently insufficient to determine the role of this variant in disease. Therefore, it has been classified as a Variant of Uncertain Significance.

Ambry Genetics
Classification: Likely benign for Hereditary cancer-predisposing syndrome. Last evaluated: 2025-02-03. Review status: criteria provided, single submitter. Criteria: Ambry Variant Classification Scheme 2023. Collection method: clinical testing. Allele origin: germline.

All of Us Research Program, National Institutes of Health
Classification: Uncertain significance for BRCA2-related cancer predisposition. Last evaluated: 2024-05-09. Review status: criteria provided, single submitter. Criteria: ACMG Guidelines, 2015. Collection method: clinical testing. Allele origin: germline. Inheritance: Autosomal dominant inheritance. Observed: 3 variant alleles, 3 heterozygotes.
Comment: This study involves interpretation of variants in research participants for the purpose of population health screening. Participant phenotype was not available at the time of variant classification. Additional details can be found in publication PMID: 35346344, PMCID: PMC8962531

Color Diagnostics, LLC DBA Color Health
Classification: Uncertain significance for Hereditary cancer-predisposing syndrome. Last evaluated: 2023-12-30. Review status: criteria provided, single submitter. Criteria: ACMG Guidelines, 2015. Collection method: clinical testing. Allele origin: germline.
Comment: This missense variant replaces proline with threonine at codon 2477 of the BRCA2 protein. Computational prediction suggests that this variant may not impact protein structure and function. To our knowledge, functional studies have not been reported for this variant. This variant has been reported in an individual affected with breast cancer (PMID: 35864222). This variant has not been identified in the general population by the Genome Aggregation Database (gnomAD). The available evidence is insufficient to determine the role of this variant in disease conclusively. Therefore, this variant is classified as a Variant of Uncertain Significance.

Mayo Clinic Laboratories, Mayo Clinic
Classification: Uncertain significance. Last evaluated: 2017-05-01. Review status: no assertion criteria provided. Collection method: clinical testing. Allele origin: unknown. Not counted in ClinVar's aggregate classification.

Literature cited by the submitters: PubMed 5864222 (cited by Labcorp Genetics (formerly Invitae), Labcorp); PubMed 35864222 (cited by Ambry Genetics and Color Diagnostics, LLC DBA Color Health).

NM_000059.4(BRCA2):c.7429C>A (p.Pro2477Thr)

Gene: BRCA2 (BRCA2 DNA repair associated; plus strand). Cytogenetic location: 13q13.1.
Variant type: single nucleotide variant.
Coding change: c.7429C>A on transcript NM_000059.4 (MANE Select); coding-DNA position 7429, C replaced by A.
Protein change: p.Pro2477Thr; replaces proline 2477 with threonine.
Molecular consequence: missense variant.
Genome position (GRCh38, 1-based): chr13:32,355,282, C>A. VCF-style: chr13-32355282-C-A. GRCh37 (hg19) VCF-style: chr13-32929419-C-A.
Other names: short protein forms P2477T.
Identifiers: ClinVar variation 185664 (VCV000185664.25), dbSNP rs80358964, ClinGen allele CA025075.